The following is an entry in ClinVar:

ClinVar aggregate classification (germline): Pathogenic (1 of 4 stars; one submission).

Conditions:
Hereditary cancer-predisposing syndrome. Also called: Neoplastic Syndromes, Hereditary; Tumor predisposition; Hereditary neoplastic syndrome; Hereditary Cancer Syndrome. Identifiers: Orphanet 140162, MedGen C0027672, MeSH D009386, MONDO:0015356.

Submission:

Ambry Genetics
Classification: Pathogenic for Hereditary cancer-predisposing syndrome. Last evaluated: 2023-02-14. Review status: criteria provided, single submitter. Criteria: Ambry Variant Classification Scheme 2023. Collection method: clinical testing. Allele origin: germline.
Comment: The c.947delC pathogenic mutation, located in coding exon 5 of the SMARCA4 gene, results from a deletion of one nucleotide at nucleotide position 947, causing a translational frameshift with a predicted alternate stop codon (p.P316Lfs*10). This alteration is expected to result in loss of function by premature protein truncation or nonsense-mediated mRNA decay. Loss-of-function variants in SMARCA4 are known to cause rhabdoid tumor predisposition syndrome including small cell carcinoma of the ovary-hypercalcemic type (SCCOHT); however, such associations with neurodevelopmental disorders are exceedingly rare (Kosho T et al. Am J Med Genet C Semin Med Genet. 2014 Sep;166C(3):262-75; Jelinic P et al. Nat Genet. 2014 May;46(5):424-6). Based on the supporting evidence, this alteration is pathogenic for rhabdoid tumor predisposition syndrome; however, the association of this alteration with Coffin-Siris syndrome is unlikely.

NM_003072.5(SMARCA4):c.947del (p.Pro316fs)

Gene: SMARCA4 (SWI/SNF related BAF chromatin remodeling complex subunit ATPase 4; plus strand). Cytogenetic location: 19p13.2.
Variant type: Deletion.
Coding change: c.947del on transcript NM_003072.5 (MANE Select); coding-DNA position 947, one base deleted (C; older notation c.947delC).
Protein change: p.Pro316fs; shifts the reading frame from proline 316.
Molecular consequence: frameshift variant. On other transcripts: non-coding transcript variant (1).
Genome position (GRCh38, 1-based): chr19:10,987,753, C deleted; the last of 5 consecutive C bases (chr19:10,987,749-10,987,753); deleting any one gives the same sequence. VCF-style (leftmost placement, unchanged base first): chr19-10987748-GC-G. GRCh37 (hg19) VCF-style: chr19-11098424-GC-G.
Other names: c.947del, p.Pro316fs (NM_001128844.3, NM_001128845.2, NM_001128846.2 and 6 more transcripts); short protein forms P316fs.
Identifiers: ClinVar variation 2452870 (VCV002452870.2), dbSNP rs2514043086, ClinGen allele CA2580096328.